The following is an entry in ClinVar:

NM_005458.8(GABBR2):c.1243G>C (p.Val415Leu)

Gene: GABBR2 (gamma-aminobutyric acid type B receptor subunit 2; minus strand). Cytogenetic location: 9q22.33.
Variant type: single nucleotide variant.
Coding change: c.1243G>C on transcript NM_005458.8 (MANE Select); coding-DNA position 1243, G replaced by C.
Protein change: p.Val415Leu; replaces valine 415 with leucine.
Molecular consequence: missense variant.
Genome position (GRCh38, 1-based): chr9:98,406,135, C>G on the plus strand (G>C on the coding strand, the complement: GABBR2 is on the minus strand). VCF-style: chr9-98406135-C-G. GRCh37 (hg19) VCF-style: chr9-101168417-C-G.
Other names: short protein forms V415L.
Identifiers: ClinVar variation 4085403 (VCV004085403.8).
Genomic context (GRCh38, chr9:98,406,135, plus strand): 5'-GCCTACCTTGAAATTGAGTAAATTTAATGGTCCCCATTCTCTCCCCATTCCGGAATACAA[C>G]TTGACCCTAAAAACAAAACAAAACAAATCAAACAAGAATAAAAGAGAAATGCCACATTAG-3'
Protein context (NP_005449.5, residues 405-425): ETNFFGVTGQ[Val415Leu]VFRNGERMGT

ClinVar aggregate classification (germline): Uncertain significance (1 of 4 stars; one submission).

Submission:

CeGaT Center for Human Genetics Tuebingen
Classification: Uncertain significance. Last evaluated: 2025-07-01. Review status: criteria provided, single submitter. Criteria: CeGaT Center For Human Genetics Tuebingen Variant Classification Criteria Version 2. Collection method: clinical testing. Allele origin: germline. Affected: yes. Observed: 1 variant allele.
Comment: GABBR2: PM2